The following is an entry in ClinVar:

NM_000363.5(TNNI3):c.485G>T (p.Arg162Leu)

Gene: TNNI3 (troponin I3, cardiac type; minus strand). Cytogenetic location: 19q13.42.
Variant type: single nucleotide variant.
Coding change: c.485G>T on transcript NM_000363.5 (MANE Select); coding-DNA position 485, G replaced by T.
Protein change: p.Arg162Leu; replaces arginine 162 with leucine.
Molecular consequence: missense variant.
Genome position (GRCh38, 1-based): chr19:55,154,094, C>A on the plus strand (G>T on the coding strand, the complement: TNNI3 is on the minus strand). VCF-style: chr19-55154094-C-A. GRCh37 (hg19) VCF-style: chr19-55665462-C-A.
Other names: c.485G>T (LRG_432t1); short protein forms R162L.
Identifiers: ClinVar variation 626844 (VCV000626844.4), dbSNP rs397516354, ClinGen allele CA407440359.

ClinVar aggregate classification (germline): Conflicting classifications of pathogenicity. Review status: criteria provided, conflicting classifications (1 of 4 stars). 2 submissions from 2 submitters: Likely pathogenic (1); Uncertain significance (1). Last evaluated 2024-08-08.

Conditions:
Cardiomyopathy (CMYO). Also called: Cardiomyopathies. Identifiers: Orphanet 167848, MedGen C0878544, MONDO:0004994, HP:0001638. Inheritance: Various modes of inheritance.
Hypertrophic cardiomyopathy. Also called: HYPERTROPHIC MYOCARDIOPATHY. Identifiers: Orphanet 217569, MedGen C0007194, MeSH D002312, MONDO:0005045, HP:0001639.

Submissions (2):

Labcorp Genetics (formerly Invitae), Labcorp
Classification: Uncertain significance for Hypertrophic cardiomyopathy. Last evaluated: 2024-08-08. Review status: criteria provided, single submitter. Criteria: Invitae Variant Classification Sherloc (09022015). Collection method: clinical testing. Allele origin: germline.
Comment: This sequence change replaces arginine, which is basic and polar, with leucine, which is neutral and non-polar, at codon 162 of the TNNI3 protein (p.Arg162Leu). This variant is not present in population databases (gnomAD no frequency). This missense change has been observed in individual(s) with dilated cardiomyopathy (PMID: 37652022). ClinVar contains an entry for this variant (Variation ID: 626844). An algorithm developed to predict the effect of missense changes on protein structure and function (PolyPhen-2) suggests that this variant is likely to be tolerated. This variant disrupts the p.Arg162 amino acid residue in TNNI3. Other variant(s) that disrupt this residue have been determined to be pathogenic (PMID: 12707239, 15698845, 25524337, 27532257). This suggests that this residue is clinically significant, and that variants that disrupt this residue are likely to be disease-causing. In summary, the available evidence is currently insufficient to determine the role of this variant in disease. Therefore, it has been classified as a Variant of Uncertain Significance.

CHEO Genetics Diagnostic Laboratory, Children's Hospital of Eastern Ontario
Classification: Likely pathogenic for Cardiomyopathy. Last evaluated: 2017-03-15. Review status: criteria provided, single submitter. Criteria: ACMG Guidelines, 2015. Collection method: clinical testing. Allele origin: germline. Study: Canadian Open Genetics Repository.

Literature cited by the submitters: PubMed 37652022 (cited by Labcorp Genetics (formerly Invitae), Labcorp); PubMed 12707239 (cited by Labcorp Genetics (formerly Invitae), Labcorp); PubMed 15698845 (cited by Labcorp Genetics (formerly Invitae), Labcorp); PubMed 25524337 (cited by Labcorp Genetics (formerly Invitae), Labcorp); PubMed 27532257 (cited by Labcorp Genetics (formerly Invitae), Labcorp).